The following is an entry in ClinVar:

ClinVar aggregate classification (germline): Uncertain significance (1 of 4 stars; one submission).

Conditions:
Early-infantile DEE. Also called: Early infantile epileptic encephalopathy; Ohtahara syndrome; Early infantile epileptic encephalopathy with suppression bursts. Identifiers: Orphanet 1934, MedGen C0393706, MONDO:0800491.

Submission:

Labcorp Genetics (formerly Invitae), Labcorp
Classification: Uncertain significance for Early-infantile DEE. Last evaluated: 2024-05-15. Review status: criteria provided, single submitter. Criteria: Invitae Variant Classification Sherloc (09022015). Collection method: clinical testing. Allele origin: germline.
Comment: This sequence change replaces leucine, which is neutral and non-polar, with valine, which is neutral and non-polar, at codon 1698 of the SCN8A protein (p.Leu1698Val). This variant is not present in population databases (gnomAD no frequency). This variant has not been reported in the literature in individuals affected with SCN8A-related conditions. Advanced modeling of protein sequence and biophysical properties (such as structural, functional, and spatial information, amino acid conservation, physicochemical variation, residue mobility, and thermodynamic stability) performed at Invitae indicates that this missense variant is expected to disrupt SCN8A protein function with a positive predictive value of 95%. In summary, the available evidence is currently insufficient to determine the role of this variant in disease. Therefore, it has been classified as a Variant of Uncertain Significance.

NM_001330260.2(SCN8A):c.5092C>G (p.Leu1698Val)

Gene: SCN8A (sodium voltage-gated channel alpha subunit 8; plus strand). Cytogenetic location: 12q13.13.
Variant type: single nucleotide variant.
Coding change: c.5092C>G on transcript NM_001330260.2 (MANE Select); coding-DNA position 5092, C replaced by G.
Protein change: p.Leu1698Val; replaces leucine 1698 with valine.
Molecular consequence: missense variant.
Genome position (GRCh38, 1-based): chr12:51,806,578, C>G. VCF-style: chr12-51806578-C-G. GRCh37 (hg19) VCF-style: chr12-52200362-C-G.
Other names: c.4969C>G, p.Leu1657Val (NM_001177984.3, NM_001369788.1); c.5092C>G, p.Leu1698Val (NM_014191.4); short protein forms L1698V, L1657V.
Identifiers: ClinVar variation 3635212 (VCV003635212.2).